The following is an entry in ClinVar:

NM_002618.4(PEX13):c.1088G>A (p.Gly363Glu)

Gene: PEX13 (peroxisomal biogenesis factor 13; plus strand). Cytogenetic location: 2p15.
Variant type: single nucleotide variant.
Coding change: c.1088G>A on transcript NM_002618.4 (MANE Select); coding-DNA position 1088, G replaced by A.
Protein change: p.Gly363Glu; replaces glycine 363 with glutamic acid.
Molecular consequence: missense variant.
Genome position (GRCh38, 1-based): chr2:61,048,646, G>A. VCF-style: chr2-61048646-G-A. GRCh37 (hg19) VCF-style: chr2-61275781-G-A.
Other names: c.1088G>A (NM_002618.3); short protein forms G363E.
Identifiers: ClinVar variation 1895585 (VCV001895585.3), dbSNP rs1222702462, ClinGen allele CA346950038.
Genomic context (GRCh38, chr2:61,048,646, plus strand): 5'-TGGAATCAAGTAAAGTTTCCAAGCAGCAACAATCTTTTACCAACCCAACACTAACTAAAG[G>A]AGCCACGGTTGCTGATTCTTTGGATGAACAGGAAGCTGCCTTTGAATCTGTTTTTGTTGA-3'
Protein context (NP_002609.1, residues 353-373): QSFTNPTLTK[Gly363Glu]ATVADSLDEQ

ClinVar aggregate classification (germline): Uncertain significance. Review status: criteria provided, multiple submitters, no conflicts (2 of 4 stars). 2 submissions from 2 submitters: Uncertain significance (2). Last evaluated 2025-12-30.

Conditions:
PEX13-related disorder. Also called: PEX13-related condition; PEX13-related disorders.
Peroxisome biogenesis disorder 11A (Zellweger). Also called: Peroxisome biogenesis disorder 11A. Identifiers: Orphanet 912, MedGen C3554000, MONDO:0013949, OMIM 614883.

Allele frequency attached by ClinVar (database versions not stated): gnomAD exomes below 0.00001.

Submissions (2):

PreventionGenetics, part of Exact Sciences
Classification: Uncertain significance for PEX13-related condition. Last evaluated: 2025-12-30. Review status: criteria provided, single submitter. Criteria: ACMG Guidelines, 2015. Collection method: clinical testing. Allele origin: germline.
Comment: The PEX13 c.1088G>A variant is predicted to result in the amino acid substitution p.Gly363Glu. To our knowledge, this variant has not been reported in the literature. This variant is reported in 0.0058% of alleles in individuals of Latino descent in gnomAD. At this time, the clinical significance of this variant is uncertain due to the absence of conclusive functional and genetic evidence.

Labcorp Genetics (formerly Invitae), Labcorp
Classification: Uncertain significance for Peroxisome biogenesis disorder 11A (Zellweger). Last evaluated: 2022-08-19. Review status: criteria provided, single submitter. Criteria: Invitae Variant Classification Sherloc (09022015). Collection method: clinical testing. Allele origin: germline.
Comment: This sequence change replaces glycine, which is neutral and non-polar, with glutamic acid, which is acidic and polar, at codon 363 of the PEX13 protein (p.Gly363Glu). This variant is present in population databases (no rsID available, gnomAD 0.006%). This variant has not been reported in the literature in individuals affected with PEX13-related conditions. Algorithms developed to predict the effect of missense changes on protein structure and function output the following: SIFT: "Deleterious"; PolyPhen-2: "Benign"; Align-GVGD: "Class C0". The glutamic acid amino acid residue is found in multiple mammalian species, which suggests that this missense change does not adversely affect protein function. In summary, the available evidence is currently insufficient to determine the role of this variant in disease. Therefore, it has been classified as a Variant of Uncertain Significance.